The following is an entry in ClinVar:

NM_001044385.3(TMEM237):c.920A>G (p.Asp307Gly)

Gene: TMEM237 (transmembrane protein 237; minus strand). Cytogenetic location: 2q33.1.
Variant type: single nucleotide variant.
Coding change: c.920A>G on transcript NM_001044385.3 (MANE Select); coding-DNA position 920, A replaced by G.
Protein change: p.Asp307Gly; replaces aspartic acid 307 with glycine.
Molecular consequence: missense variant.
Genome position (GRCh38, 1-based): chr2:201,628,099, T>C on the plus strand (A>G on the coding strand, the complement: TMEM237 is on the minus strand). VCF-style: chr2-201628099-T-C. GRCh37 (hg19) VCF-style: chr2-202492822-T-C.
Other names: c.896A>G, p.Asp299Gly (NM_152388.4); short protein forms D299G, D307G.
Identifiers: ClinVar variation 1399600 (VCV001399600.3), dbSNP rs2105898418, ClinGen allele CA350307077.

ClinVar aggregate classification (germline): Uncertain significance (1 of 4 stars; one submission).

Conditions:
Joubert syndrome 14 (JBTS14). Identifiers: MedGen C3280766, MONDO:0013745, OMIM 614424.

Allele frequency attached by ClinVar (database versions not stated): gnomAD exomes 0.00001.
gnomAD v4.1: 8 of 1,608,324 alleles (0.0005%); highest among the groups gnomAD compares: Non-Finnish European, 0.00068%; no homozygotes.

Submission:

Labcorp Genetics (formerly Invitae), Labcorp
Classification: Uncertain significance for Joubert syndrome 14. Last evaluated: 2021-11-02. Review status: criteria provided, single submitter. Criteria: Invitae Variant Classification Sherloc (09022015). Collection method: clinical testing. Allele origin: germline.
Comment: This sequence change replaces aspartic acid, which is acidic and polar, with glycine, which is neutral and non-polar, at codon 307 of the TMEM237 protein (p.Asp307Gly). This variant is not present in population databases (gnomAD no frequency). This variant has not been reported in the literature in individuals affected with TMEM237-related conditions. Algorithms developed to predict the effect of missense changes on protein structure and function are either unavailable or do not agree on the potential impact of this missense change (SIFT: "Deleterious"; PolyPhen-2: "Probably Damaging"; Align-GVGD: "Class C15"). In summary, the available evidence is currently insufficient to determine the role of this variant in disease. Therefore, it has been classified as a Variant of Uncertain Significance.